The following is an entry in ClinVar:

NM_000081.4(LYST):c.5325C>A (p.Phe1775Leu)

Gene: LYST (lysosomal trafficking regulator; minus strand). Cytogenetic location: 1q42.3.
Variant type: single nucleotide variant.
Coding change: c.5325C>A on transcript NM_000081.4 (MANE Select); coding-DNA position 5325, C replaced by A.
Protein change: p.Phe1775Leu; replaces phenylalanine 1775 with leucine.
Molecular consequence: missense variant.
Genome position (GRCh38, 1-based): chr1:235,777,198, G>T on the plus strand (C>A on the coding strand, the complement: LYST is on the minus strand). VCF-style: chr1-235777198-G-T. GRCh37 (hg19) VCF-style: chr1-235940498-G-T.
Other names: c.5325C>A, p.Phe1775Leu (NM_001301365.1); short protein forms F1775L.
Identifiers: ClinVar variation 1898163 (VCV001898163.5), dbSNP rs139238969, ClinGen allele CA1466648.

ClinVar aggregate classification (germline): Uncertain significance. Review status: criteria provided, multiple submitters, no conflicts (2 of 4 stars). 4 submissions from 4 submitters: Uncertain significance (4). Last evaluated 2024-02-20.

Conditions:
Inborn genetic diseases. Identifiers: MedGen C0950123, MeSH D030342.
Chédiak-Higashi syndrome (CHS). Also called: Chediak-Higashi Syndrome. Identifiers: Orphanet 167, MedGen C0007965, MONDO:0008963, OMIM 214500.

Allele frequency attached by ClinVar (database versions not stated): gnomAD exomes 0.00001; ExAC 0.00005; gnomAD 0.00010; TOPMed 0.00018; ESP Exome Variant Server 0.00023.
gnomAD v4.1: 36 of 1,613,642 alleles (0.0022%); highest among the groups gnomAD compares: African/African-American, 0.037%; no homozygotes.

Submissions (4):

Fulgent Genetics
Classification: Uncertain significance for Chédiak-Higashi syndrome. Last evaluated: 2024-02-20. Review status: criteria provided, single submitter. Criteria: ACMG Guidelines, 2015. Collection method: clinical testing. Allele origin: germline.

GeneDx
Classification: Uncertain significance. Last evaluated: 2023-08-15. Review status: criteria provided, single submitter. Criteria: GeneDx Variant Classification Process June 2021. Collection method: clinical testing. Allele origin: germline. Affected: yes.
Comment: In silico analysis supports that this missense variant does not alter protein structure/function; Has not been previously published as pathogenic or benign to our knowledge

Labcorp Genetics (formerly Invitae), Labcorp
Classification: Uncertain significance for Chédiak-Higashi syndrome. Last evaluated: 2022-07-25. Review status: criteria provided, single submitter. Criteria: Invitae Variant Classification Sherloc (09022015). Collection method: clinical testing. Allele origin: germline.
Comment: This sequence change replaces phenylalanine, which is neutral and non-polar, with leucine, which is neutral and non-polar, at codon 1775 of the LYST protein (p.Phe1775Leu). This variant is present in population databases (rs139238969, gnomAD 0.04%). This variant has not been reported in the literature in individuals affected with LYST-related conditions. Algorithms developed to predict the effect of missense changes on protein structure and function are either unavailable or do not agree on the potential impact of this missense change (SIFT: "Tolerated"; PolyPhen-2: "Probably Damaging"; Align-GVGD: "Class C0"). In summary, the available evidence is currently insufficient to determine the role of this variant in disease. Therefore, it has been classified as a Variant of Uncertain Significance.

Ambry Genetics
Classification: Uncertain significance for Inborn genetic diseases. Last evaluated: 2021-08-09. Review status: criteria provided, single submitter. Criteria: Ambry Variant Classification Scheme 2023. Collection method: clinical testing. Allele origin: germline.